The following is an entry in ClinVar:

ClinVar aggregate classification (germline): Uncertain significance (1 of 4 stars; one submission).

Allele frequency attached by ClinVar (database versions not stated): gnomAD exomes below 0.00001; gnomAD 0.00001.
gnomAD v4.1: 3 of 1,614,052 alleles (0.00019%); highest among the groups gnomAD compares: Admixed American, 0.0017%; no homozygotes.

Submission:

Ambry Genetics
Classification: Uncertain significance. Last evaluated: 2021-12-29. Review status: criteria provided, single submitter. Criteria: Ambry Variant Classification Scheme 2023. Collection method: clinical testing. Allele origin: germline.
Comment: The p.V682M variant (also known as c.2044G>A), located in coding exon 18 of the IKBKAP gene, results from a G to A substitution at nucleotide position 2044. The valine at codon 682 is replaced by methionine, an amino acid with highly similar properties. This amino acid position is conserved. In addition, this alteration is predicted to be tolerated by in silico analysis. Since supporting evidence is limited at this time, the clinical significance of this alteration remains unclear.

NM_003640.5(ELP1):c.2044G>A (p.Val682Met)

Gene: ELP1 (elongator acetyltransferase complex subunit 1; minus strand). Cytogenetic location: 9q31.3.
Variant type: single nucleotide variant.
Coding change: c.2044G>A on transcript NM_003640.5 (MANE Select); coding-DNA position 2044, G replaced by A.
Protein change: p.Val682Met; replaces valine 682 with methionine.
Molecular consequence: missense variant.
Genome position (GRCh38, 1-based): chr9:108,900,346, C>T on the plus strand (G>A on the coding strand, the complement: ELP1 is on the minus strand). VCF-style: chr9-108900346-C-T. GRCh37 (hg19) VCF-style: chr9-111662626-C-T.
Other names: c.1702G>A, p.Val568Met (NM_001318360.2); c.997G>A, p.Val333Met (NM_001330749.2); short protein forms V333M, V568M, V682M.
Identifiers: ClinVar variation 1799757 (VCV001799757.2), dbSNP rs1245240190, ClinGen allele CA374423516.